The following is an entry in ClinVar:

ClinVar aggregate classification (germline): Uncertain significance (1 of 4 stars; one submission).

Submission:

GeneDx
Classification: Uncertain significance. Last evaluated: 2019-07-09. Review status: criteria provided, single submitter. Criteria: GeneDx Variant Classification Process June 2021. Collection method: clinical testing. Allele origin: germline. Affected: yes.
Comment: Not observed in large population cohorts (Lek et al., 2016); In silico analysis, which includes protein predictors and evolutionary conservation, supports a deleterious effect; Has not been previously published as pathogenic or benign to our knowledge; Variants in candidate genes are classified as variants of uncertain significance in accordance with ACMG guidelines (Richards et al., 2015); This variant is associated with the following publications: (PMID: 32409512)

NM_006521.6(TFE3):c.551A>G (p.Glu184Gly)

Gene: TFE3 (transcription factor binding to IGHM enhancer 3; minus strand). Cytogenetic location: Xp11.23.
Variant type: single nucleotide variant.
Coding change: c.551A>G on transcript NM_006521.6 (MANE Select); coding-DNA position 551, A replaced by G.
Protein change: p.Glu184Gly; replaces glutamic acid 184 with glycine.
Molecular consequence: missense variant.
Genome position (GRCh38, 1-based): chrX:49,038,426, T>C on the plus strand (A>G on the coding strand, the complement: TFE3 is on the minus strand). VCF-style: chrX-49038426-T-C. GRCh37 (hg19) VCF-style: chrX-48895951-T-C.
Other names: c.236A>G, p.Glu79Gly (NM_001282142.2); short protein forms E184G, E79G.
Identifiers: ClinVar variation 1318462 (VCV001318462.2), dbSNP rs2147776469, ClinGen allele CA412911049.
Genomic context (GRCh38, chrX:49,038,426, plus strand): 5'-GACAGGTACTGTTTCACCTGCTGCCGGCGCGCCTGCTGCAGGTGGTAGCGCGTTGGGTTC[T>C]CCAGATGGGTCTGCACCTGTGAAATAAGGTAGACAAGGAAAGAGAGGGGACAAGGCAGAA-3'
Protein context (NP_006512.2, residues 174-194): REVLKVQTHL[Glu184Gly]NPTRYHLQQA